The following is an entry in ClinVar:

ClinVar aggregate classification (germline): Uncertain significance (1 of 4 stars; one submission).

Submission:

GeneDx
Classification: Uncertain significance. Last evaluated: 2024-11-19. Review status: criteria provided, single submitter. Criteria: GeneDx Variant Classification Process June 2021. Collection method: clinical testing. Allele origin: germline. Affected: yes.
Comment: Not observed at significant frequency in large population cohorts (gnomAD); In silico analysis supports that this missense variant has a deleterious effect on protein structure/function; Has not been previously published as pathogenic or benign to our knowledge; This substitution is predicted to be within the extracellular loop between the S1 and S2 transmembrane segments of the third homologous domain

NM_001165963.4(SCN1A):c.3737A>G (p.Lys1246Arg)

Genes: SCN1A (sodium voltage-gated channel alpha subunit 1; minus strand), LOC102724058 (uncharacterized LOC102724058; plus strand). Cytogenetic location: 2q24.3.
Variant type: single nucleotide variant.
Coding change: c.3737A>G on transcript NM_001165963.4 (MANE Select); coding-DNA position 3737, A replaced by G.
Protein change: p.Lys1246Arg; replaces lysine 1246 with arginine.
Molecular consequence: missense variant. On other transcripts: non-coding transcript variant (1).
Genome position (GRCh38, 1-based): chr2:166,012,251, T>C on the plus strand (A>G on the coding strand, the complement: SCN1A is on the minus strand). VCF-style: chr2-166012251-T-C. GRCh37 (hg19) VCF-style: chr2-166868761-T-C.
Other names: c.3653A>G, p.Lys1218Arg (NM_001165964.3, NM_001353957.2, NM_001353958.2); c.3737A>G, p.Lys1246Arg (NM_001202435.3, NM_001353948.2); c.3704A>G, p.Lys1235Arg (NM_001353949.2, NM_001353950.2, NM_001353951.2 and 2 more transcripts); c.3701A>G, p.Lys1234Arg (NM_001353954.2, NM_001353955.2); c.3650A>G, p.Lys1217Arg (NM_001353960.2); c.1295A>G, p.Lys432Arg (NM_001353961.2); short protein forms K1217R, K1218R, K1234R, K1235R, K1246R, K432R.
Identifiers: ClinVar variation 3899433 (VCV003899433.1).
Genomic context (GRCh38, chr2:166,012,251, plus strand): 5'-TCCAGAATGAAAATGTAAGTGAAAACCTTGTCAGCATATTCCAACATCGTCTTAATCGTC[T>C]TTCGCTGATCAATATATATATCTTCAAATGCCTATAAAGAAAATGTTACACATTATTAGC-3'
Protein context (NP_001159435.1, residues 1236-1256): AFEDIYIDQR[Lys1246Arg]TIKTMLEYAD